The following is an entry in ClinVar:

ClinVar aggregate classification (germline): Conflicting classifications of pathogenicity. Review status: criteria provided, conflicting classifications (1 of 4 stars). 5 submissions from 5 submitters: Uncertain significance (4); Likely benign (1). Last evaluated 2024-09-29.

Conditions:
Renal cell carcinoma. Identifiers: Orphanet 217071, MedGen C0007134, MeSH D002292, MONDO:0005086, HP:0005584.
Autosomal recessive nonsyndromic hearing loss 97. Also called: Deafness, autosomal recessive 97. Identifiers: Orphanet 90636, MedGen C4084709, MONDO:0014739, OMIM 616705.
Hereditary cancer-predisposing syndrome. Also called: Hereditary Cancer Syndrome; Hereditary neoplastic syndrome; Neoplastic Syndromes, Hereditary; Tumor predisposition. Identifiers: Orphanet 140162, MedGen C0027672, MeSH D009386, MONDO:0015356.

Allele frequency attached by ClinVar (database versions not stated): gnomAD exomes below 0.00001; gnomAD 0.00001; TOPMed 0.00002.
gnomAD v4.1: 3 of 1,613,806 alleles (0.00019%); highest among the groups gnomAD compares: African/African-American, 0.004%; no homozygotes.

Submissions (5):

Labcorp Genetics (formerly Invitae), Labcorp
Classification: Uncertain significance for Renal cell carcinoma. Last evaluated: 2024-09-29. Review status: criteria provided, single submitter. Criteria: Invitae Variant Classification Sherloc (09022015). Collection method: clinical testing. Allele origin: germline.
Comment: This sequence change replaces arginine, which is basic and polar, with lysine, which is basic and polar, at codon 21 of the MET protein (p.Arg21Lys). This variant is present in population databases (no rsID available, gnomAD 0.007%). This variant has not been reported in the literature in individuals affected with MET-related conditions. ClinVar contains an entry for this variant (Variation ID: 1692567). Invitae Evidence Modeling of protein sequence and biophysical properties (such as structural, functional, and spatial information, amino acid conservation, physicochemical variation, residue mobility, and thermodynamic stability) indicates that this missense variant is not expected to disrupt MET protein function with a negative predictive value of 80%. In summary, the available evidence is currently insufficient to determine the role of this variant in disease. Therefore, it has been classified as a Variant of Uncertain Significance.

Baylor Genetics
Classification: Uncertain significance for Autosomal recessive nonsyndromic hearing loss 97. Last evaluated: 2024-03-15. Review status: criteria provided, single submitter. Criteria: ACMG Guidelines, 2015. Collection method: clinical testing. Allele origin: unknown.

GeneDx
Classification: Uncertain significance. Last evaluated: 2022-11-23. Review status: criteria provided, single submitter. Criteria: GeneDx Variant Classification Process June 2021. Collection method: clinical testing. Allele origin: germline. Affected: yes.
Comment: Not observed at significant frequency in large population cohorts (gnomAD); In silico analysis supports that this missense variant does not alter protein structure/function; Has not been previously published as pathogenic or benign to our knowledge

Sema4
Classification: Uncertain significance for Hereditary cancer-predisposing syndrome. Last evaluated: 2022-01-24. Review status: criteria provided, single submitter. Criteria: Sema4 Curation Guidelines. Collection method: curation. Allele origin: germline.
Comment: The MET c.62G>A (p.R21K) variant has not been reported in the individuals with MET-related disease. It was observed in 1/249356 chromosomes across all populations, in the Genome Aggregation Database (PMID: 32461654). This variant has not been reported in ClinVar. In silico tools suggest the impact of the variant on protein function is benign, though these predictions have not been confirmed by functional studies. The evidence is insufficient to meet ACMG/AMP criteria for classifying the variant as benign or pathogenic. Thus, the clinical significance of this variant is currently uncertain.

Ambry Genetics
Classification: Likely benign for Hereditary cancer-predisposing syndrome. Last evaluated: 2021-04-29. Review status: criteria provided, single submitter. Criteria: Ambry Variant Classification Scheme 2023. Collection method: clinical testing. Allele origin: germline.

NM_000245.4(MET):c.62G>A (p.Arg21Lys)

Gene: MET (MET proto-oncogene, receptor tyrosine kinase; plus strand). Cytogenetic location: 7q31.2.
Variant type: single nucleotide variant.
Coding change: c.62G>A on transcript NM_000245.4 (MANE Select); coding-DNA position 62, G replaced by A.
Protein change: p.Arg21Lys; replaces arginine 21 with lysine.
Molecular consequence: missense variant. On other transcripts: intron variant (1).
Genome position (GRCh38, 1-based): chr7:116,699,146, G>A. VCF-style: chr7-116699146-G-A. GRCh37 (hg19) VCF-style: chr7-116339200-G-A.
Other names: c.62G>A, p.Arg21Lys (NM_001127500.3, NM_001324401.3); c.-91+26569G>A (NM_001324402.2); short protein forms R21K.
Identifiers: ClinVar variation 1692567 (VCV001692567.10), dbSNP rs964356368, ClinGen allele CA164887698.
Genomic context (GRCh38, chr7:116,699,146, plus strand): 5'-TGAAGGCCCCCGCTGTGCTTGCACCTGGCATCCTCGTGCTCCTGTTTACCTTGGTGCAGA[G>A]GAGCAATGGGGAGTGTAAAGAGGCACTAGCAAAGTCCGAGATGAATGTGAATATGAAGTA-3'
Protein context (NP_000236.2, residues 11-31): ILVLLFTLVQ[Arg21Lys]SNGECKEALA